The following is an entry in ClinVar:

NM_000587.4(C7):c.1749+1G>A

Gene: C7 (complement C7; plus strand). Cytogenetic location: 5p13.1.
Variant type: single nucleotide variant.
Coding change: c.1749+1G>A on transcript NM_000587.4 (MANE Select); the canonical splice donor site of the intron after coding-DNA position 1749, G replaced by A.
Molecular consequence: splice donor variant.
Genome position (GRCh38, 1-based): chr5:40,962,173, G>A. VCF-style: chr5-40962173-G-A. GRCh37 (hg19) VCF-style: chr5-40962275-G-A.
Identifiers: ClinVar variation 4779646 (VCV004779646.1).

ClinVar aggregate classification (germline): Likely pathogenic (1 of 4 stars; one submission).

gnomAD v4.1: 7 of 1,534,652 alleles (0.00046%); highest among the groups gnomAD compares: African/African-American, 0.0068%; no homozygotes.

Submission:

Labcorp Genetics (formerly Invitae), Labcorp
Classification: Likely pathogenic. Last evaluated: 2025-07-22. Review status: criteria provided, single submitter. Criteria: Invitae Variant Classification Sherloc (09022015). Collection method: clinical testing. Allele origin: germline.
Comment: This sequence change affects a donor splice site in intron 13 of the C7 gene. It is expected to disrupt RNA splicing. Variants that disrupt the donor or acceptor splice site typically lead to a loss of protein function (PMID: 16199547), and loss-of-function variants in C7 are known to be pathogenic (PMID: 9856499, 17407100). This variant is present in population databases (rs747281479, gnomAD 0.01%). This variant has not been reported in the literature in individuals affected with C7-related conditions. Algorithms developed to predict the effect of sequence changes on RNA splicing suggest that this variant may disrupt the consensus splice site. In summary, the currently available evidence indicates that the variant is pathogenic, but additional data are needed to prove that conclusively. Therefore, this variant has been classified as Likely Pathogenic.

Literature cited by the submitters: PubMed 16199547; PubMed 9856499; PubMed 17407100.